The following is an entry in ClinVar:

NM_002335.4(LRP5):c.2664C>T (p.Phe888=)

Gene: LRP5 (LDL receptor related protein 5; plus strand). Cytogenetic location: 11q13.2.
Variant type: single nucleotide variant.
Coding change: c.2664C>T on transcript NM_002335.4 (MANE Select); coding-DNA position 2664, C replaced by T.
Protein change: p.Phe888=; no amino-acid change (phenylalanine 888 retained).
Molecular consequence: synonymous variant.
Genome position (GRCh38, 1-based): chr11:68,413,849, C>T. VCF-style: chr11-68413849-C-T. GRCh37 (hg19) VCF-style: chr11-68181317-C-T.
Other names: c.921C>T, p.Phe307= (NM_001291902.2); c.2664C>T (NM_002335.3).
Identifiers: ClinVar variation 1087617 (VCV001087617.12), dbSNP rs373351312, ClinGen allele CA6149709.
Genomic context (GRCh38, chr11:68,413,849, plus strand): 5'-TGAGCGGGCCGACAAGACTAGCGGCCGGAACCGCACCCTCATCCAGGGCCACCTGGACTT[C>T]GTGATGGACATCCTGGTGTTCCACTCCTCCCGCCAGGATGGCCTCAATGACTGTATGCAC-3'
Protein context (NP_002326.2, residues 878-898): NRTLIQGHLD[Phe888=]VMDILVFHSS

ClinVar aggregate classification (germline): Likely benign. Review status: criteria provided, multiple submitters, no conflicts (2 of 4 stars). 3 submissions from 3 submitters: Likely benign (3). Last evaluated 2026-01-18.

Conditions:
LRP5-related disorder. Also called: LRP5-related condition.

Allele frequency attached by ClinVar (database versions not stated): ExAC 0.00001; gnomAD 0.00001; gnomAD exomes 0.00002; TOPMed 0.00002; ESP Exome Variant Server 0.00008.
gnomAD v4.1: 33 of 1,613,556 alleles (0.002%); highest among the groups gnomAD compares: Admixed American, 0.0033%; no homozygotes.

Submissions (3):

Labcorp Genetics (formerly Invitae), Labcorp
Classification: Likely benign. Last evaluated: 2026-01-18. Review status: criteria provided, single submitter. Criteria: Invitae Variant Classification Sherloc (09022015). Collection method: clinical testing. Allele origin: germline.

PreventionGenetics, part of Exact Sciences
Classification: Likely benign for LRP5-related condition. Last evaluated: 2025-07-30. Review status: criteria provided, single submitter. Criteria: ACMG Guidelines, 2015. Collection method: clinical testing. Allele origin: germline.
Comment: This variant is classified as likely benign based on ACMG/AMP sequence variant interpretation guidelines (Richards et al. 2015 PMID: 25741868, with internal and published modifications).

Blueprint Genetics
Classification: Likely benign. Last evaluated: 2023-01-02. Review status: criteria provided, single submitter. Criteria: ACMG Guidelines, 2015. Collection method: clinical testing. Allele origin: germline.